The following is an entry in ClinVar:

NM_005476.7(GNE):c.1071-1G>T

Gene: GNE (glucosamine (UDP-N-acetyl)-2-epimerase/N-acetylmannosamine kinase; minus strand). Cytogenetic location: 9p13.3.
Variant type: single nucleotide variant.
Coding change: c.1071-1G>T on transcript NM_005476.7 (MANE Select); the canonical splice acceptor site of the intron before coding-DNA position 1071, G replaced by T.
Molecular consequence: splice acceptor variant.
Genome position (GRCh38, 1-based): chr9:36,227,459, C>A on the plus strand (G>T on the coding strand, the complement: GNE is on the minus strand). VCF-style: chr9-36227459-C-A. GRCh37 (hg19) VCF-style: chr9-36227456-C-A.
Other names: c.894-1G>T (NM_001190388.2, NM_001374798.1); c.1164-1G>T (NM_001128227.3); c.741-1G>T (NM_001190384.3); c.918-1G>T (NM_001374797.1); c.1071-1G>T (NM_001190383.3).
Identifiers: ClinVar variation 4885074 (VCV004885074.2).
Genomic context (GRCh38, chr9:36,227,459, plus strand): 5'-ATAGATTTGAGAAACTTCAAAATCCTTGGAACAGCATTTCCATCCCCATATATCTTTGAA[C>A]TGCAATATACAAAAAGTCAATTAAATTATATGCTTCTGCCATACATGTTAAGTGGTAGTG-3'

ClinVar aggregate classification (germline): Likely pathogenic (1 of 4 stars; one submission).

Submission:

Dasa
Classification: Likely pathogenic. Last evaluated: 2026-02-16. Review status: criteria provided, single submitter. Criteria: DASA Assertion Criteria. Collection method: clinical testing. Allele origin: germline.
Comment: NM_005476.7(GNE):c.1071-1G>T affects a canonical splice site and is predicted to disrupt normal RNA splicing. Loss of function is an established disease mechanism for GNE-associated disorders. Also, this variant is rare in population databases. Based on the currently available evidence, this variant is classified as likely pathogenic.